The following is an entry in ClinVar:

ClinVar aggregate classification (germline): Uncertain significance (1 of 4 stars; one submission).

Allele frequency attached by ClinVar (database versions not stated): gnomAD exomes below 0.00001.
gnomAD v4.1: 1 of 1,613,626 alleles (0.000062%); highest among the groups gnomAD compares: Middle Eastern, 0.017%; no homozygotes.

Submission:

Labcorp Genetics (formerly Invitae), Labcorp
Classification: Uncertain significance. Last evaluated: 2021-04-21. Review status: criteria provided, single submitter. Criteria: Invitae Variant Classification Sherloc (09022015). Collection method: clinical testing. Allele origin: germline.
Comment: This variant is not present in population databases (ExAC no frequency). This sequence change replaces glycine with alanine at codon 768 of the RINT1 protein (p.Gly768Ala). The glycine residue is moderately conserved and there is a small physicochemical difference between glycine and alanine. In summary, the available evidence is currently insufficient to determine the role of this variant in disease. Therefore, it has been classified as a Variant of Uncertain Significance. Algorithms developed to predict the effect of missense changes on protein structure and function are either unavailable or do not agree on the potential impact of this missense change (SIFT: "Tolerated"; PolyPhen-2: "Probably Damaging"; Align-GVGD: "Class C0"). This variant has not been reported in the literature in individuals with RINT1-related conditions.

NM_021930.6(RINT1):c.2303G>C (p.Gly768Ala)

Genes: EFCAB10 (EF-hand calcium binding domain 10; minus strand), RINT1 (RAD50 interactor 1; plus strand). Cytogenetic location: 7q22.3.
Variant type: single nucleotide variant.
Coding change: c.2303G>C on transcript NM_021930.6 (MANE Select); coding-DNA position 2303, G replaced by C.
Protein change: p.Gly768Ala; replaces glycine 768 with alanine.
Molecular consequence: missense variant. On other transcripts: 3 prime UTR variant (2), non-coding transcript variant (1), intron variant (3).
Genome position (GRCh38, 1-based): chr7:105,567,235, G>C. VCF-style: chr7-105567235-G-C. GRCh37 (hg19) VCF-style: chr7-105207682-G-C.
Other names: c.*219C>G (NM_001355527.2, NM_001355529.2); c.2069G>C, p.Gly690Ala (NM_001346599.2); c.1280G>C, p.Gly427Ala (NM_001346600.2, NM_001346603.2); c.1379G>C, p.Gly460Ala (NM_001346601.2); c.360-1788C>G (NM_001355531.2); c.383+232C>G (NM_001355526.2, NM_001355530.2); short protein forms G690A, G427A, G460A, G768A.
Identifiers: ClinVar variation 1347102 (VCV001347102.8), dbSNP rs2133497355, ClinGen allele CA368815593.
Genomic context (GRCh38, chr7:105,567,235, plus strand): 5'-AAGATGTACTGCAGTCAGCTTCAGGGCAGCTTCCTGCCACAGCAGCATTAAATGAAGTTG[G>C]AATTTACAAACTGGCTCAACAAGATGTTGAGATTCTACTTAATTTGAGGACAAATTGGCC-3'
Protein context (NP_068749.3, residues 758-778): LPATAALNEV[Gly768Ala]IYKLAQQDVE